The following is an entry in ClinVar:

NM_032271.3(TRAF7):c.1878+7G>A

Gene: TRAF7 (TNF receptor associated factor 7; plus strand). Cytogenetic location: 16p13.3.
Variant type: single nucleotide variant.
Coding change: c.1878+7G>A on transcript NM_032271.3 (MANE Select); 7 bases into the intron after coding-DNA position 1878, G replaced by A.
Molecular consequence: intron variant.
Genome position (GRCh38, 1-based): chr16:2,176,187, G>A. VCF-style: chr16-2176187-G-A. GRCh37 (hg19) VCF-style: chr16-2226188-G-A.
Identifiers: ClinVar variation 2646051 (VCV002646051.24), dbSNP rs775305214, ClinGen allele CA7835140.
Genomic context (GRCh38, chr16:2,176,187, plus strand): 5'-TCGACGCCAGACCAGACCAAAGTCTTCAGTGCATCCTACGACCGGTCCCTCAGGGTGCGT[G>A]CTGGCCCAGCGGTGGCAGGAGGCTCAGAGGGCTGGCAGCTGAGCTCCGGCGGGCCCTCAC-3'

ClinVar aggregate classification (germline): Likely benign (1 of 4 stars; one submission).

Allele frequency attached by ClinVar (database versions not stated): ExAC 0.00001; gnomAD 0.00001; TOPMed 0.00002; gnomAD exomes 0.00003.
gnomAD v4.1: 39 of 1,604,040 alleles (0.0024%); highest among the groups gnomAD compares: Non-Finnish European, 0.0032%; no homozygotes.

Submission:

CeGaT Center for Human Genetics Tuebingen
Classification: Likely benign. Last evaluated: 2023-09-01. Review status: criteria provided, single submitter. Criteria: CeGaT Center For Human Genetics Tuebingen Variant Classification Criteria Version 2. Collection method: clinical testing. Allele origin: germline. Affected: yes. Observed: 1 variant allele.
Comment: TRAF7: BP4